The following is an entry in ClinVar:

NM_152419.3(HGSNAT):c.1128+8A>G

Gene: HGSNAT (heparan-alpha-glucosaminide N-acetyltransferase; plus strand). Cytogenetic location: 8p11.21.
Variant type: single nucleotide variant.
Coding change: c.1128+8A>G on transcript NM_152419.3 (MANE Select); 8 bases into the intron after coding-DNA position 1128, A replaced by G.
Molecular consequence: intron variant.
Genome position (GRCh38, 1-based): chr8:43,182,268, A>G. VCF-style: chr8-43182268-A-G. GRCh37 (hg19) VCF-style: chr8-43037411-A-G.
Other names: c.1128+8A>G (NM_001363227.2); c.264+8A>G (NM_001363229.2); c.936+8A>G (NM_001363228.2).
Identifiers: ClinVar variation 730818 (VCV000730818.11), dbSNP rs371054148, ClinGen allele CA4736753.

ClinVar aggregate classification (germline): Likely benign. Review status: criteria provided, multiple submitters, no conflicts (2 of 4 stars). 3 submissions from 3 submitters: Likely benign (3). Last evaluated 2026-01-18.

Conditions:
Mucopolysaccharidosis, MPS-III-C (MPS3C). Also called: MUCOPOLYSACCHARIDOSIS, TYPE IIIC; mucopolysaccharidosis type 3C; SANFILIPPO SYNDROME C; MPS III C; MPS IIIC (Sanfilippo Syndrome Type C); Mucopolysaccharidosis type IIIC (Sanfilippo C). Identifiers: Orphanet 581, Orphanet 79271, MedGen C0086649, MONDO:0009657, OMIM 252930.
Retinitis pigmentosa 73 (RP73). Identifiers: Orphanet 791, MedGen C4225287, MONDO:0014687, OMIM 616544.

Allele frequency attached by ClinVar (database versions not stated): gnomAD exomes 0.00028 and 0.00025; ESP Exome Variant Server 0.00041; ExAC 0.00043; gnomAD 0.00012 and 0.00013; TOPMed 0.00018.

Submissions (3):

Labcorp Genetics (formerly Invitae), Labcorp
Classification: Likely benign for Retinitis pigmentosa 73; Mucopolysaccharidosis, MPS-III-C. Last evaluated: 2026-01-18. Review status: criteria provided, single submitter. Criteria: Invitae Variant Classification Sherloc (09022015). Collection method: clinical testing. Allele origin: germline.

Women's Health and Genetics/Laboratory Corporation of America, LabCorp
Classification: Likely benign. Last evaluated: 2025-07-09. Review status: criteria provided, single submitter. Criteria: LabCorp Variant Classification Summary - May 2015. Collection method: clinical testing. Allele origin: germline.
Comment: Variant summary: HGSNAT c.1128+8A>G alters a non-conserved nucleotide located at a position not widely known to affect splicing. Consensus agreement among computation tools predict no significant impact on normal splicing. However, these predictions have yet to be confirmed by functional studies. The variant allele was found at a frequency of 0.00028 in 249248 control chromosomes, predominantly at a frequency of 0.00052 within the Non-Finnish European subpopulation in the gnomAD database. This frequency is not significantly higher than estimated for a pathogenic variant in HGSNAT causing Mucopolysaccharidosis, MPS-III-C, allowing no conclusion about variant significance. To our knowledge, no occurrence of c.1128+8A>G in individuals affected with Mucopolysaccharidosis, MPS-III-C and no experimental evidence demonstrating its impact on protein function have been reported. ClinVar contains an entry for this variant (Variation ID: 730818). Based on the evidence outlined above, the variant was classified as likely benign.

Blueprint Genetics
Classification: Likely benign. Last evaluated: 2024-11-06. Review status: criteria provided, single submitter. Criteria: ACMG Guidelines, 2015. Collection method: clinical testing. Allele origin: germline.